The following is an entry in ClinVar:

NM_031844.3(HNRNPU):c.386A>G (p.Glu129Gly)

Gene: HNRNPU (heterogeneous nuclear ribonucleoprotein U; minus strand). Cytogenetic location: 1q44.
Variant type: single nucleotide variant.
Coding change: c.386A>G on transcript NM_031844.3 (MANE Select); coding-DNA position 386, A replaced by G.
Protein change: p.Glu129Gly; replaces glutamic acid 129 with glycine.
Molecular consequence: missense variant.
Genome position (GRCh38, 1-based): chr1:244,863,922, T>C on the plus strand (A>G on the coding strand, the complement: HNRNPU is on the minus strand). VCF-style: chr1-244863922-T-C. GRCh37 (hg19) VCF-style: chr1-245027224-T-C.
Other names: c.386A>G, p.Glu129Gly (NM_004501.3); short protein forms E129G.
Identifiers: ClinVar variation 1809816 (VCV001809816.2), dbSNP rs1435707336, ClinGen allele CA345497240.
Genomic context (GRCh38, chr1:244,863,922, plus strand): 5'-TCTTCGTCCCCGAGCTCATCTTCCCCTTCCTGGAAACCCTGATCGTCGCCGTTCTCGTCT[T>C]CCGAGGCGGCCTCCTCCTCCTCCATCGGGCCCGAGTCGGCCGCCCCCGCGGCCCCGTTCT-3'
Protein context (NP_114032.2, residues 119-139): GPMEEEEAAS[Glu129Gly]DENGDDQGFQ

ClinVar aggregate classification (germline): Uncertain significance. Review status: criteria provided, multiple submitters, no conflicts (2 of 4 stars). 2 submissions from 2 submitters: Uncertain significance (2). Last evaluated 2025-09-23.

Allele frequency attached by ClinVar (database versions not stated): gnomAD exomes below 0.00001; TOPMed below 0.00001; gnomAD 0.00001.
gnomAD v4.1: 4 of 1,613,626 alleles (0.00025%); highest among the groups gnomAD compares: Non-Finnish European, 0.00034%; no homozygotes.

Submissions (2):

Women's Health and Genetics/Laboratory Corporation of America, LabCorp
Classification: Uncertain significance. Last evaluated: 2025-09-23. Review status: criteria provided, single submitter. Criteria: LabCorp Variant Classification Summary - May 2015. Collection method: clinical testing. Allele origin: germline.
Comment: Variant summary: HNRNPU c.386A>G (p.Glu129Gly) results in a non-conservative amino acid change in the encoded protein sequence. Algorithms developed to predict the effect of missense changes on protein structure and function are either unavailable or do not agree on the potential impact of this missense change. The variant was absent in 248862 control chromosomes. The available data on variant occurrences in the general population are insufficient to allow any conclusion about variant significance. To our knowledge, no occurrence of c.386A>G in individuals affected with HNRNPU-related conditions and no experimental evidence demonstrating its impact on protein function have been reported. ClinVar contains an entry for this variant (Variation ID: 1809816). Based on the evidence outlined above, the variant was classified as uncertain significance.

GeneDx
Classification: Uncertain significance. Last evaluated: 2022-06-23. Review status: criteria provided, single submitter. Criteria: GeneDx Variant Classification Process June 2021. Collection method: clinical testing. Allele origin: germline. Affected: yes.
Comment: Not observed at significant frequency in large population cohorts (gnomAD); In silico analysis supports that this missense variant does not alter protein structure/function; Has not been previously published as pathogenic or benign to our knowledge